The following is an entry in ClinVar:

NM_002691.4(POLD1):c.1471C>T (p.His491Tyr)

Gene: POLD1 (DNA polymerase delta 1, catalytic subunit; plus strand). Cytogenetic location: 19q13.33.
Variant type: single nucleotide variant.
Coding change: c.1471C>T on transcript NM_002691.4 (MANE Select); coding-DNA position 1471, C replaced by T.
Protein change: p.His491Tyr; replaces histidine 491 with tyrosine.
Molecular consequence: missense variant. On other transcripts: non-coding transcript variant (1).
Genome position (GRCh38, 1-based): chr19:50,406,494, C>T. VCF-style: chr19-50406494-C-T. GRCh37 (hg19) VCF-style: chr19-50909751-C-T.
Other names: c.1471C>T, p.His491Tyr (NM_001256849.1, NM_001308632.1); short protein forms H491Y.
Identifiers: ClinVar variation 484427 (VCV000484427.8), dbSNP rs1381049004, ClinGen allele CA406980279.

ClinVar aggregate classification (germline): Uncertain significance. Review status: criteria provided, multiple submitters, no conflicts (2 of 4 stars). 2 submissions from 2 submitters: Uncertain significance (2). Last evaluated 2023-10-23.

Conditions:
Hereditary cancer-predisposing syndrome. Also called: Tumor predisposition; Hereditary Cancer Syndrome; Hereditary neoplastic syndrome; Neoplastic Syndromes, Hereditary. Identifiers: Orphanet 140162, MedGen C0027672, MeSH D009386, MONDO:0015356.
POLD1-related polyposis and colorectal cancer syndrome (CRCS10). Also called: Colorectal cancer 10; COLORECTAL CANCER, SUSCEPTIBILITY TO, ON CHROMOSOME 19q; Colorectal cancer, susceptibility to, 10. Identifiers: Orphanet 220460, MedGen C2675481, MONDO:0012953, OMIM 612591.

Allele frequency attached by ClinVar (database versions not stated): gnomAD exomes below 0.00001.

Submissions (2):

Labcorp Genetics (formerly Invitae), Labcorp
Classification: Uncertain significance for POLD1-related polyposis and colorectal cancer syndrome. Last evaluated: 2023-10-23. Review status: criteria provided, single submitter. Criteria: Invitae Variant Classification Sherloc (09022015). Collection method: clinical testing. Allele origin: germline.
Comment: This sequence change replaces histidine, which is basic and polar, with tyrosine, which is neutral and polar, at codon 491 of the POLD1 protein (p.His491Tyr). The frequency data for this variant in the population databases is considered unreliable, as metrics indicate poor data quality at this position in the gnomAD database. This variant has not been reported in the literature in individuals affected with POLD1-related conditions. ClinVar contains an entry for this variant (Variation ID: 484427). Advanced modeling of protein sequence and biophysical properties (such as structural, functional, and spatial information, amino acid conservation, physicochemical variation, residue mobility, and thermodynamic stability) performed at Invitae indicates that this missense variant is not expected to disrupt POLD1 protein function. In summary, the available evidence is currently insufficient to determine the role of this variant in disease. Therefore, it has been classified as a Variant of Uncertain Significance.

Ambry Genetics
Classification: Uncertain significance for Hereditary cancer-predisposing syndrome. Last evaluated: 2021-06-07. Review status: criteria provided, single submitter. Criteria: Ambry Variant Classification Scheme 2023. Collection method: clinical testing. Allele origin: germline.
Comment: The p.H491Y variant (also known as c.1471C>T), located in coding exon 11 of the POLD1 gene, results from a C to T substitution at nucleotide position 1471. The histidine at codon 491 is replaced by tyrosine, an amino acid with similar properties. This amino acid position is highly conserved in available vertebrate species. In addition, this alteration is predicted to be tolerated by in silico analysis. Since supporting evidence is limited at this time, the clinical significance of this alteration remains unclear.